The following is an entry in ClinVar:

NM_000368.5(TSC1):c.2340_2343del (p.Arg780fs)

Gene: TSC1 (TSC complex subunit 1; minus strand). Cytogenetic location: 9q34.13.
Variant type: Deletion.
Coding change: c.2340_2343del on transcript NM_000368.5 (MANE Select); coding-DNA positions 2340 to 2343, 4 bases deleted (ACAG; older notation c.2340_2343delACAG).
Protein change: p.Arg780fs; shifts the reading frame from arginine 780.
Molecular consequence: frameshift variant.
Genome position (GRCh38, 1-based): chr9:132,902,653-132,902,656, CTGT deleted on the plus strand (ACAG on the coding strand, the reverse complement: TSC1 is on the minus strand); deleting any 4 consecutive bases within chr9:132,902,653-132,902,659 gives the same sequence; the c. name uses the placement nearest the transcript's 3' end. VCF-style (leftmost placement, unchanged base first): chr9-132902652-GCTGT-G. GRCh37 (hg19) VCF-style: chr9-135778039-GCTGT-G.
Other names: c.2340_2343delACAG (NM_000368.4); c.2337_2340del, p.Arg779fs (NM_001162426.2); c.2187_2190del, p.Arg729fs (NM_001162427.2); c.1977_1980del, p.Arg659fs (NM_001362177.2); short protein forms R659fs, R729fs, R779fs, R780fs.
Identifiers: ClinVar variation 666036 (VCV000666036.2), dbSNP rs1588301374, ClinGen allele CA915947235.
Genomic context (GRCh38, chr9:132,902,652, plus strand): 5'-CTGCAGTTTATACCTGTAATTCCTGGCTCTGGTTGTAGAATTCCTCTCGGTCATGCTGCA[GCTGT>G]CTGATCTGGCTGTGGAGCTTGGTTACCATAGTGTCACGCTGCTCCTGGAGCTGATTGTAT-3'

ClinVar aggregate classification (germline): Pathogenic (1 of 4 stars; one submission).

Conditions:
Tuberous sclerosis 1 (TSC1). Identifiers: Orphanet 805, MedGen C1854465, MONDO:0008612, OMIM 191100.

Submission:

Labcorp Genetics (formerly Invitae), Labcorp
Classification: Pathogenic for Tuberous sclerosis 1. Last evaluated: 2018-11-13. Review status: criteria provided, single submitter. Criteria: Invitae Variant Classification Sherloc (09022015). Collection method: clinical testing. Allele origin: germline.
Comment: This sequence change creates a premature translational stop signal (p.Arg780Serfs*26) in the TSC1 gene. It is expected to result in an absent or disrupted protein product. This variant is not present in population databases (ExAC no frequency). This variant has not been reported in the literature in individuals with TSC1-related disease. Loss-of-function variants in TSC1 are known to be pathogenic (PMID: 10227394, 17304050). For these reasons, this variant has been classified as Pathogenic.

Literature cited by the submitters: PubMed 10227394; PubMed 17304050.